The following is an entry in ClinVar:

ClinVar aggregate classification (germline): Uncertain significance. Review status: criteria provided, multiple submitters, no conflicts (2 of 4 stars). 3 submissions from 3 submitters: Uncertain significance (3). Last evaluated 2022-10-04.

Allele frequency attached by ClinVar (database versions not stated): ExAC 0.00002; gnomAD exomes 0.00002 and 0.00006; gnomAD 0.00003 and 0.00004; TOPMed 0.00003.
gnomAD v4.1: 40 of 1,613,706 alleles (0.0025%); highest among the groups gnomAD compares: African/African-American, 0.0027%; no homozygotes.

Submissions (3):

Labcorp Genetics (formerly Invitae), Labcorp
Classification: Uncertain significance. Last evaluated: 2022-10-04. Review status: criteria provided, single submitter. Criteria: Invitae Variant Classification Sherloc (09022015). Collection method: clinical testing. Allele origin: germline.
Comment: This sequence change replaces proline, which is neutral and non-polar, with leucine, which is neutral and non-polar, at codon 525 of the OCA2 protein (p.Pro525Leu). This variant is present in population databases (rs754777148, gnomAD 0.02%). This variant has not been reported in the literature in individuals affected with OCA2-related conditions. ClinVar contains an entry for this variant (Variation ID: 450156). Advanced modeling of protein sequence and biophysical properties (such as structural, functional, and spatial information, amino acid conservation, physicochemical variation, residue mobility, and thermodynamic stability) performed at Invitae indicates that this missense variant is not expected to disrupt OCA2 protein function. In summary, the available evidence is currently insufficient to determine the role of this variant in disease. Therefore, it has been classified as a Variant of Uncertain Significance.

GeneDx
Classification: Uncertain significance. Last evaluated: 2017-07-06. Review status: criteria provided, single submitter. Criteria: GeneDx Variant Classification (06012015). Collection method: clinical testing. Allele origin: germline. Affected: yes.
Comment: The P525L variant in the OCA2 gene has not been reported previously as a pathogenic variant, nor as a benign variant, to our knowledge. The P525L variant is not observed at any significant frequency in large population cohorts (Lek et al., 2016; 1000 Genomes Consortium et al., 2015; Exome Variant Server). The P525L variant is a semi-conservative amino acid substitution, which may impact secondary protein structure as these residues differ in some properties. This substitution occurs at a position that is conserved across species. In silico analysis predicts this variant is probably damaging to the protein structure/function. We interpret P525L as a variant of uncertain significance.

Breakthrough Genomics
Classification: Uncertain significance. Review status: criteria provided, single submitter. Criteria: ACMG Guidelines, 2015. Collection method: not provided. Allele origin: germline. Inheritance: Autosomal recessive inheritance. Affected: yes.

NM_000275.3(OCA2):c.1574C>T (p.Pro525Leu)

Gene: OCA2 (OCA2 melanosomal transmembrane protein; minus strand). Cytogenetic location: 15q13.1.
Variant type: single nucleotide variant.
Coding change: c.1574C>T on transcript NM_000275.3 (MANE Select); coding-DNA position 1574, C replaced by T.
Protein change: p.Pro525Leu; replaces proline 525 with leucine.
Molecular consequence: missense variant.
Genome position (GRCh38, 1-based): chr15:27,966,752, G>A on the plus strand (C>T on the coding strand, the complement: OCA2 is on the minus strand). VCF-style: chr15-27966752-G-A. GRCh37 (hg19) VCF-style: chr15-28211898-G-A.
Other names: c.1502C>T, p.Pro501Leu (NM_001300984.2); short protein forms P525L, P501L.
Identifiers: ClinVar variation 450156 (VCV000450156.4), dbSNP rs754777148, ClinGen allele CA7438985.
Genomic context (GRCh38, chr15:27,966,752, plus strand): 5'-ACAATCTCACTGGGTTCCTTGTTATAAAGCTTTCTGTTCCAGTAAAGGAGTCTGAGGAGC[G>A]GAAAGCAGACCAGGAGAACAAGGCAAATCCCAATGAACATGTGTGCAGTGAATCCGGCAA-3'
Protein context (NP_000266.2, residues 515-535): GICLVLLVCF[Pro525Leu]LLRLLYWNRK